The following is an entry in ClinVar:

ClinVar aggregate classification (germline): Uncertain significance (1 of 4 stars; one submission).

Conditions:
Inborn genetic diseases. Identifiers: MedGen C0950123, MeSH D030342.

Submission:

Ambry Genetics
Classification: Uncertain significance for Inborn genetic diseases. Last evaluated: 2025-10-17. Review status: criteria provided, single submitter. Criteria: Ambry Variant Classification Scheme 2023. Collection method: clinical testing. Allele origin: germline.
Comment: The c.3121dupT (p.S1041Ffs*70) alteration, located in exon 10 (coding exon 10) of the SHANK2 gene, consists of a duplication of T at position 3121, causing a translational frameshift with a predicted alternate stop codon after 70 amino acids. This variant is not expected to trigger nonsense-mediated mRNA decay, and impacts the last 17% of the protein. The exact functional effect of this alteration is unknown. This variant was not reported in population-based cohorts in the Genome Aggregation Database (gnomAD). Based on insufficient or conflicting evidence, the clinical significance of this alteration remains unclear.

NM_012309.5(SHANK2):c.4885dup (p.Ser1629fs)

Gene: SHANK2 (SH3 and multiple ankyrin repeat domains 2; minus strand). Cytogenetic location: 11q13.3.
Variant type: Duplication.
Coding change: c.4885dup on transcript NM_012309.5 (MANE Select); coding-DNA position 4885, one base duplicated (T; older notation c.4885dupT).
Protein change: p.Ser1629fs; shifts the reading frame from serine 1629.
Molecular consequence: frameshift variant.
Genome position (GRCh38, 1-based): chr11:70,485,408, A duplicated on the plus strand (T on the coding strand, the reverse complement: SHANK2 is on the minus strand). VCF-style (leftmost placement, unchanged base first): chr11-70485407-G-GA. GRCh37 (hg19) VCF-style: chr11-70331512-G-GA.
Other names: c.3748dup, p.Ser1250fs (NM_001379226.1); c.5005dup, p.Ser1669fs (NM_001441024.1); c.4834dup, p.Ser1612fs (NM_001441025.1, NM_001441026.1, NM_001441027.1 and 8 more transcripts); c.4807dup, p.Ser1603fs (NM_001441035.1, NM_001441036.1, NM_001441037.1); c.4762dup, p.Ser1588fs (NM_001441038.1); c.3718dup, p.Ser1240fs (NM_001441040.1); c.3670dup, p.Ser1224fs (NM_001441041.1); c.3112dup, p.Ser1038fs (NM_001441042.1); and 6 more; short protein forms S1024fs, S1031fs, S1038fs, S1041fs, S1015fs, S1034fs, S1588fs, S1612fs.
Identifiers: ClinVar variation 4630852 (VCV004630852.1).
Genomic context (GRCh38, chr11:70,485,407, plus strand): 5'-GGTGAATCCAGTCCTTCCCCCGGCTTTGCCAATTTCTCTCGGTTCATTTGCTGTAGGATA[G>GA]AGTTCAATTCACTAATAACGTTTGCCTTTGGGCCTGAGAGAATCGGGCTTTTGATCTCTG-3'